The following is an entry in ClinVar:

NM_007055.4(POLR3A):c.3472C>T (p.Leu1158Phe)

Gene: POLR3A (RNA polymerase III subunit A; minus strand). Cytogenetic location: 10q22.3.
Variant type: single nucleotide variant.
Coding change: c.3472C>T on transcript NM_007055.4 (MANE Select); coding-DNA position 3472, C replaced by T.
Protein change: p.Leu1158Phe; replaces leucine 1158 with phenylalanine.
Molecular consequence: missense variant.
Genome position (GRCh38, 1-based): chr10:77,982,775, G>A on the plus strand (C>T on the coding strand, the complement: POLR3A is on the minus strand). VCF-style: chr10-77982775-G-A. GRCh37 (hg19) VCF-style: chr10-79742533-G-A.
Other names: short protein forms L1158F.
Identifiers: ClinVar variation 1483023 (VCV001483023.7), dbSNP rs759736550, ClinGen allele CA5570817.

ClinVar aggregate classification (germline): Uncertain significance (1 of 4 stars; one submission).

Allele frequency attached by ClinVar (database versions not stated): gnomAD exomes 0.00001 and 0.00003; ExAC 0.00002; TOPMed 0.00004; gnomAD 0.00005 and 0.00006.
gnomAD v4.1: 19 of 1,613,946 alleles (0.0012%); highest among the groups gnomAD compares: Admixed American, 0.03%; no homozygotes.

Submission:

Labcorp Genetics (formerly Invitae), Labcorp
Classification: Uncertain significance. Last evaluated: 2021-04-02. Review status: criteria provided, single submitter. Criteria: Invitae Variant Classification Sherloc (09022015). Collection method: clinical testing. Allele origin: germline.
Comment: In summary, the available evidence is currently insufficient to determine the role of this variant in disease. Therefore, it has been classified as a Variant of Uncertain Significance. Algorithms developed to predict the effect of missense changes on protein structure and function are either unavailable or do not agree on the potential impact of this missense change (SIFT: "Deleterious"; PolyPhen-2: "Possibly Damaging"; Align-GVGD: "Class C0"). This variant has not been reported in the literature in individuals with POLR3A-related conditions. This variant is present in population databases (rs759736550, ExAC 0.02%). This sequence change replaces leucine with phenylalanine at codon 1158 of the POLR3A protein (p.Leu1158Phe). The leucine residue is moderately conserved and there is a small physicochemical difference between leucine and phenylalanine.